The following is an entry in ClinVar:

ClinVar aggregate classification (germline): Uncertain significance (1 of 4 stars; one submission).

Submission:

Ambry Genetics
Classification: Uncertain significance. Last evaluated: 2023-10-01. Review status: criteria provided, single submitter. Criteria: Ambry Variant Classification Scheme 2023. Collection method: clinical testing. Allele origin: germline.
Comment: The p.L1504S variant (also known as c.4511T>C), located in coding exon 16 of the POLQ gene, results from a T to C substitution at nucleotide position 4511. The leucine at codon 1504 is replaced by serine, an amino acid with dissimilar properties. This amino acid position is conserved. In addition, this alteration is predicted to be tolerated by in silico analysis. Since supporting evidence is limited at this time, the clinical significance of this alteration remains unclear.

NM_199420.4(POLQ):c.4511T>C (p.Leu1504Ser)

Gene: POLQ (DNA polymerase theta; minus strand). Cytogenetic location: 3q13.33.
Variant type: single nucleotide variant.
Coding change: c.4511T>C on transcript NM_199420.4 (MANE Select); coding-DNA position 4511, T replaced by C.
Protein change: p.Leu1504Ser; replaces leucine 1504 with serine.
Molecular consequence: missense variant.
Genome position (GRCh38, 1-based): chr3:121,488,420, A>G on the plus strand (T>C on the coding strand, the complement: POLQ is on the minus strand). VCF-style: chr3-121488420-A-G. GRCh37 (hg19) VCF-style: chr3-121207267-A-G.
Other names: short protein forms L1504S.
Identifiers: ClinVar variation 3230004 (VCV003230004.1), dbSNP rs2546785839, ClinGen allele CA354094889.